The following is an entry in ClinVar:

ClinVar aggregate classification (germline): Pathogenic (1 of 4 stars; one submission).

Conditions:
Sialuria. Also called: Sialic Acid Storage Disease; SIALURIA, FRENCH TYPE. Identifiers: Orphanet 3166, MedGen C0342853, MONDO:0010028, OMIM 269921.
GNE myopathy (NM). Also called: IBM 2; Inclusion body myopathy autosomal recessive; Inclusion body myopathy quadriceps sparing; MYOPATHY, DISTAL, WITH OR WITHOUT RIMMED VACUOLES; NONAKA DISTAL MYOPATHY; INCLUSION BODY MYOPATHY, HEREDITARY, AUTOSOMAL RECESSIVE. Identifiers: Orphanet 602, MedGen C1853926, MONDO:0011603, OMIM 605820.

Submission:

Labcorp Genetics (formerly Invitae), Labcorp
Classification: Pathogenic for Sialuria; GNE myopathy. Last evaluated: 2022-02-19. Review status: criteria provided, single submitter. Criteria: Invitae Variant Classification Sherloc (09022015). Collection method: clinical testing. Allele origin: germline.
Comment: This variant is a gross deletion of the genomic region encompassing exon(s) 1-3 of the GNE gene, which includes the initiator codon. This deletion extends beyond the assayed region for this gene and therefore may encompass additional genes. It is expected to result in an absent or disrupted protein product. Loss-of-function variants in GNE are known to be pathogenic (PMID: 24027297). This variant has not been reported in the literature in individuals affected with GNE-related conditions. For these reasons, this variant has been classified as Pathogenic.

Literature cited by the submitters: PubMed 24027297.

NC_000009.11:g.(?_36246008)_(36276941_?)del

Gene: GNE (glucosamine (UDP-N-acetyl)-2-epimerase/N-acetylmannosamine kinase; minus strand). Cytogenetic location: 9p13.3.
Variant type: Deletion.
Identifiers: ClinVar variation 2423767 (VCV002423767.2).